The following is an entry in ClinVar:

NM_003998.4(NFKB1):c.983C>T (p.Ala328Val)

Gene: NFKB1 (nuclear factor kappa B subunit 1; plus strand). Cytogenetic location: 4q24.
Variant type: single nucleotide variant.
Coding change: c.983C>T on transcript NM_003998.4 (MANE Select); coding-DNA position 983, C replaced by T.
Protein change: p.Ala328Val; replaces alanine 328 with valine.
Molecular consequence: missense variant.
Genome position (GRCh38, 1-based): chr4:102,584,737, C>T. VCF-style: chr4-102584737-C-T. GRCh37 (hg19) VCF-style: chr4-103505894-C-T.
Other names: c.980C>T, p.Ala327Val (NM_001165412.2, NM_001319226.2, NM_001382627.1); c.983C>T, p.Ala328Val (NM_001382625.1, NM_001382626.1); c.941C>T, p.Ala314Val (NM_001382628.1); short protein forms A314V, A327V, A328V.
Identifiers: ClinVar variation 3766372 (VCV003766372.1).
Genomic context (GRCh38, chr4:102,584,737, plus strand): 5'-TGCAGTTTGCCATTGTCTTCAAAACTCCAAAGTATAAAGATATTAATATTACAAAACCAG[C>T]CTCTGTGTTTGTCCAGCTTCGGAGGAAATCTGACTTGGAAACTAGTGAACCAAAACCTTT-3'
Protein context (NP_003989.2, residues 318-338): KYKDINITKP[Ala328Val]SVFVQLRRKS

ClinVar aggregate classification (germline): Uncertain significance (1 of 4 stars; one submission).

gnomAD v4.1: 6 of 1,612,456 alleles (0.00037%); highest among the groups gnomAD compares: Non-Finnish European, 0.00051%; no homozygotes.

Submission:

GeneDx
Classification: Uncertain significance. Last evaluated: 2024-09-02. Review status: criteria provided, single submitter. Criteria: GeneDx Variant Classification Process June 2021. Collection method: clinical testing. Allele origin: germline. Affected: yes.
Comment: In silico analysis indicates that this missense variant does not alter protein structure/function; In silico analysis suggests this variant may impact gene splicing. In the absence of RNA/functional studies, the actual effect of this sequence change is unknown.; Has not been previously published as pathogenic or benign to our knowledge